The following is an entry in ClinVar:

NM_006859.4(LIAS):c.297T>C (p.Asn99=)

Gene: LIAS (lipoic acid synthetase; plus strand). Cytogenetic location: 4p14.
Variant type: single nucleotide variant.
Coding change: c.297T>C on transcript NM_006859.4 (MANE Select); coding-DNA position 297, T replaced by C.
Protein change: p.Asn99=; no amino-acid change (asparagine 99 retained).
Molecular consequence: synonymous variant. On other transcripts: intron variant (2).
Genome position (GRCh38, 1-based): chr4:39,462,274, T>C. VCF-style: chr4-39462274-T-C. GRCh37 (hg19) VCF-style: chr4-39463894-T-C.
Other names: p.N99N:AAT>AAC; c.297T>C, p.Asn99= (NM_001278590.2, NM_001278591.2, NM_194451.3); c.219-1251T>C (NM_001363700.2, NM_001278592.2).
Identifiers: ClinVar variation 206035 (VCV000206035.38), dbSNP rs144299903, ClinGen allele CA315731.

ClinVar aggregate classification (germline): Benign/Likely benign. Review status: criteria provided, multiple submitters, no conflicts (2 of 4 stars). 4 submissions from 4 submitters: Benign (1); Likely benign (3). Last evaluated 2026-01-12.

Conditions:
Lipoic acid synthetase deficiency. Also called: HYPERGLYCINEMIA, LACTIC ACIDOSIS, AND SEIZURES. Identifiers: Orphanet 401859, MedGen C3280887, MONDO:0013762, OMIM 614462.

Allele frequency attached by ClinVar (database versions not stated): 1000 Genomes Project 30x 0.00047; gnomAD 0.00017 and 0.00019; gnomAD exomes 0.00021 and 0.00023; ExAC 0.00022; ESP Exome Variant Server 0.00023; TOPMed 0.00030; 1000 Genomes Project 0.00040.
gnomAD v4.1: 335 of 1,549,844 alleles (0.022%); highest among the groups gnomAD compares: Middle Eastern, 0.15%; 2 homozygotes.

Submissions (4):

Labcorp Genetics (formerly Invitae), Labcorp
Classification: Likely benign for Lipoic acid synthetase deficiency. Last evaluated: 2026-01-12. Review status: criteria provided, single submitter. Criteria: Invitae Variant Classification Sherloc (09022015). Collection method: clinical testing. Allele origin: germline.

Blueprint Genetics
Classification: Likely benign. Last evaluated: 2024-11-01. Review status: criteria provided, single submitter. Criteria: ACMG Guidelines, 2015. Collection method: clinical testing. Allele origin: germline.

CeGaT Center for Human Genetics Tuebingen
Classification: Likely benign. Last evaluated: 2024-07-01. Review status: criteria provided, single submitter. Criteria: CeGaT Center For Human Genetics Tuebingen Variant Classification Criteria Version 2. Collection method: clinical testing. Allele origin: germline. Affected: yes. Observed: 2 variant alleles.
Comment: LIAS: BP4, BP7

GeneDx
Classification: Benign. Last evaluated: 2014-06-10. Review status: criteria provided, single submitter. Criteria: GeneDx Variant Classification (06012015). Collection method: clinical testing. Allele origin: germline. Affected: yes.
Comment: This variant is considered likely benign or benign based on one or more of the following criteria: it is a conservative change, it occurs at a poorly conserved position in the protein, it is predicted to be benign by multiple in silico algorithms, and/or has population frequency not consistent with disease.